The following is an entry in ClinVar:

ClinVar aggregate classification (germline): Uncertain significance. Review status: criteria provided, multiple submitters, no conflicts (2 of 4 stars). 2 submissions from 2 submitters: Uncertain significance (2). Last evaluated 2025-02-09.

Conditions:
Familial isolated arrhythmogenic right ventricular dysplasia. Identifiers: Orphanet 217656, MedGen C4274968, MONDO:0016342.
Cardiovascular phenotype. Identifiers: MedGen CN230736.

Allele frequency attached by ClinVar (database versions not stated): gnomAD exomes below 0.00001.
gnomAD v4.1: 4 of 1,531,240 alleles (0.00026%); highest among the groups gnomAD compares: Non-Finnish European, 0.00035%; no homozygotes.

Submissions (2):

Ambry Genetics
Classification: Uncertain significance for Cardiovascular phenotype. Last evaluated: 2025-02-09. Review status: criteria provided, single submitter. Criteria: Ambry Variant Classification Scheme 2023. Collection method: clinical testing. Allele origin: germline.
Comment: The p.L18R variant (also known as c.53T>G), located in coding exon 1 of the DSC2 gene, results from a T to G substitution at nucleotide position 53. The leucine at codon 18 is replaced by arginine, an amino acid with dissimilar properties. This amino acid position is conserved. In addition, the in silico prediction for this alteration is inconclusive. Based on the available evidence, the clinical significance of this variant remains unclear.

All of Us Research Program, National Institutes of Health
Classification: Uncertain significance for Familial isolated arrhythmogenic right ventricular dysplasia. Last evaluated: 2023-08-15. Review status: criteria provided, single submitter. Criteria: ACMG Guidelines, 2015. Collection method: clinical testing. Allele origin: germline. Inheritance: Autosomal dominant inheritance. Observed: 1 variant allele, 1 heterozygote.
Comment: This missense variant replaces leucine with arginine at codon 18 of the DSC2 protein. Computational prediction suggests that this variant may not impact protein structure and function (internally defined REVEL score threshold <= 0.5, PMID: 27666373). To our knowledge, functional studies have not been reported for this variant. This variant has not been reported in individuals affected with DSC2-related disorders in the literature. This variant has not been identified in the general population by the Genome Aggregation Database (gnomAD). The available evidence is insufficient to determine the role of this variant in disease conclusively. Therefore, this variant is classified as a Variant of Uncertain Significance.

This study involves interpretation of variants in research participants for the purpose of population health screening. Participant phenotype was not available at the time of variant classification. Additional details can be found in publication PMID: 35346344, PMCID: PMC8962531

NM_024422.6(DSC2):c.53T>G (p.Leu18Arg)

Genes: DSCAS (DSC1/DSC2 antisense RNA; plus strand), DSC2 (desmocollin 2; minus strand). Cytogenetic location: 18q12.1.
Variant type: single nucleotide variant.
Coding change: c.53T>G on transcript NM_024422.6 (MANE Select); coding-DNA position 53, T replaced by G.
Protein change: p.Leu18Arg; replaces leucine 18 with arginine.
Molecular consequence: missense variant.
Genome position (GRCh38, 1-based): chr18:31,101,919, A>C on the plus strand (T>G on the coding strand, the complement: DSC2 is on the minus strand). VCF-style: chr18-31101919-A-C. GRCh37 (hg19) VCF-style: chr18-28681882-A-C.
Other names: c.53T>G, p.Leu18Arg (NM_004949.5); c.53T>G (NM_024422.3); short protein forms L18R.
Identifiers: ClinVar variation 3072917 (VCV003072917.2), dbSNP rs2510963997, ClinGen allele CA402115231.